The following is an entry in ClinVar:

NM_002335.4(LRP5):c.1092C>T (p.Asp364=)

Gene: LRP5 (LDL receptor related protein 5; plus strand). Cytogenetic location: 11q13.2.
Variant type: single nucleotide variant.
Coding change: c.1092C>T on transcript NM_002335.4 (MANE Select); coding-DNA position 1092, C replaced by T.
Protein change: p.Asp364=; no amino-acid change (aspartic acid 364 retained).
Molecular consequence: synonymous variant. On other transcripts: 5 prime UTR variant (1).
Genome position (GRCh38, 1-based): chr11:68,386,392, C>T. VCF-style: chr11-68386392-C-T. GRCh37 (hg19) VCF-style: chr11-68153860-C-T.
Other names: c.-674C>T (NM_001291902.2).
Identifiers: ClinVar variation 4682029 (VCV004682029.5).

ClinVar aggregate classification (germline): Likely benign (1 of 4 stars; one submission).

gnomAD v4.1: 2 of 1,613,956 alleles (0.00012%); highest among the groups gnomAD compares: Non-Finnish European, 0.00017%; no homozygotes.

Submission:

CeGaT Center for Human Genetics Tuebingen
Classification: Likely benign. Last evaluated: 2025-12-01. Review status: criteria provided, single submitter. Criteria: CeGaT Center For Human Genetics Tuebingen Variant Classification Criteria Version 2. Collection method: clinical testing. Allele origin: germline. Affected: yes. Observed: 1 variant allele.
Comment: LRP5: BP4, BP7